The following is an entry in ClinVar:

NM_024675.4(PALB2):c.362C>G (p.Thr121Arg)

Gene: PALB2 (partner and localizer of BRCA2; minus strand). Cytogenetic location: 16p12.2.
Variant type: single nucleotide variant.
Coding change: c.362C>G on transcript NM_024675.4 (MANE Select); coding-DNA position 362, C replaced by G.
Protein change: p.Thr121Arg; replaces threonine 121 with arginine.
Molecular consequence: missense variant. On other transcripts: 5 prime UTR variant (8), intron variant (3).
Genome position (GRCh38, 1-based): chr16:23,636,184, G>C on the plus strand (C>G on the coding strand, the complement: PALB2 is on the minus strand). VCF-style: chr16-23636184-G-C. GRCh37 (hg19) VCF-style: chr16-23647505-G-C.
Other names: c.302C>G, p.Thr101Arg (NM_001407296.1); c.362C>G, p.Thr121Arg (NM_001407297.1, NM_001407298.1, NM_001407299.1 and 3 more transcripts); c.-524C>G (NM_001407304.1, NM_001407305.1, NM_001407306.1 and 5 more transcripts); c.48+4926C>G (NM_001407314.1); c.-105+4926C>G (NM_001407313.1, NM_001407312.1); short protein forms T101R, T121R.
Identifiers: ClinVar variation 3694322 (VCV003694322.2).

ClinVar aggregate classification (germline): Uncertain significance (1 of 4 stars; one submission).

Conditions:
Familial cancer of breast. Also called: hereditary breast carcinoma; BREAST CANCER, FAMILIAL; Hereditary breast cancer. Identifiers: Orphanet 227535, MedGen C0346153, MONDO:0016419, OMIM 114480. Disease mechanism: loss of function.

Submission:

Labcorp Genetics (formerly Invitae), Labcorp
Classification: Uncertain significance for Familial cancer of breast. Last evaluated: 2024-04-09. Review status: criteria provided, single submitter. Criteria: Invitae Variant Classification Sherloc (09022015). Collection method: clinical testing. Allele origin: germline.
Comment: This sequence change replaces threonine, which is neutral and polar, with arginine, which is basic and polar, at codon 121 of the PALB2 protein (p.Thr121Arg). This variant is present in population databases (no rsID available, gnomAD 0.003%). This variant has not been reported in the literature in individuals affected with PALB2-related conditions. Algorithms developed to predict the effect of missense changes on protein structure and function output the following: SIFT: "Not Available"; PolyPhen-2: "Benign"; Align-GVGD: "Not Available". The arginine amino acid residue is found in multiple mammalian species, which suggests that this missense change does not adversely affect protein function. In summary, the available evidence is currently insufficient to determine the role of this variant in disease. Therefore, it has been classified as a Variant of Uncertain Significance.